The following is an entry in ClinVar:

ClinVar aggregate classification (germline): Conflicting classifications of pathogenicity. Review status: criteria provided, conflicting classifications (1 of 4 stars). 3 submissions from 3 submitters: Uncertain significance (1); Likely benign (2). Last evaluated 2025-08-12.

Conditions:
Hereditary breast ovarian cancer syndrome. Also called: Hereditary breast and/or ovarian cancer syndrome; BRCA1- and BRCA2-Associated Hereditary Breast and Ovarian Cancer; Hereditary breast and ovarian cancer syndrome; Hereditary breast and ovarian cancer; Hereditary breast and ovarian cancer syndrome (HBOC); Breast and ovarian cancer. Identifiers: Orphanet 145, MedGen C0677776, MeSH D061325, MONDO:0003582. Disease mechanism: loss of function.
Hereditary cancer-predisposing syndrome. Also called: Tumor predisposition; Hereditary Cancer Syndrome; Hereditary neoplastic syndrome; Neoplastic Syndromes, Hereditary. Identifiers: Orphanet 140162, MedGen C0027672, MeSH D009386, MONDO:0015356.

gnomAD v4.1: 1 of 1,613,896 alleles (0.000062%); highest among the groups gnomAD compares: Non-Finnish European, 0.000085%; no homozygotes.

Submissions (4):

Color Diagnostics, LLC DBA Color Health
Classification: Likely benign for Hereditary cancer-predisposing syndrome. Last evaluated: 2025-08-12. Review status: criteria provided, single submitter. Criteria: ACMG Guidelines, 2015. Collection method: clinical testing. Allele origin: germline.

Molecular Diagnostics Laboratory, Catalan Institute of Oncology
Classification: Likely benign for Hereditary cancer-predisposing syndrome. Last evaluated: 2025-04-23. Review status: criteria provided, single submitter. Criteria: ClinGen BRCA1BRCA2 ACMG Specifications BRCA1 V1.0.0. Collection method: clinical testing. Allele origin: germline.
Comment: PM2_Supporting, BS3, BP4 BRCA1 c.5277+6G>C is an intronic variant located close to a canonical splice site. It is not present in the population database gnomAD v2.1.1, non cancer dataset (PM2_supporting). The SpliceAI algorithm predicts no significant impact on splicing (BP4). Intronic variant, functional data considered only from assays that measure effect via mRNA and protein. Reported by one calibrated study incorporating mRNA splicing effects to affect function similar to benign control variants (PMID:30209399) (BS3). It has not been reported in a multifactorial analysis. In addition, the variant has been identified in the ClinVar* database as uncertain significance, and BRCA Exchange database (not yet reviewed), but it is not present in the LOVD database. Based on the currently available information, c.5277+6G>C is classified as an likely benign variant according to ClinGen-BRCA1 Guidelines version 1.

Labcorp Genetics (formerly Invitae), Labcorp
Classification: Uncertain significance for Hereditary breast ovarian cancer syndrome. Last evaluated: 2020-10-09. Review status: criteria provided, single submitter. Criteria: Invitae Variant Classification Sherloc (09022015). Collection method: clinical testing. Allele origin: germline.
Comment: This sequence change falls in intron 19 of the BRCA1 gene. It does not directly change the encoded amino acid sequence of the BRCA1 protein, but it affects a nucleotide within the consensus splice site of the intron. This variant is not present in population databases (ExAC no frequency). This variant has not been reported in the literature in individuals with BRCA1-related conditions. ClinVar contains an entry for this variant (Variation ID: 867313). Nucleotide substitutions within the consensus splice site are a relatively common cause of aberrant splicing (PMID: 17576681, 9536098). Experimental studies have shown that this variant does not affect mRNA splicing (PMID: 30209399). In summary, the available evidence is currently insufficient to determine the role of this variant in disease. Therefore, it has been classified as a Variant of Uncertain Significance.

Brotman Baty Institute, University of Washington
No classification provided (evidence only). Condition: Breast-ovarian cancer, familial 1. Review status: no classification provided. Collection method: in vitro. Allele origin: not applicable. Functional consequence: functionally_normal. Not counted in ClinVar's aggregate classification.
ClinVar note: "not provided" was previously submitted as the classification for the variant. However, the classification appeared to be based only on an observation of functional data so it was converted to no classification on 2025-07-30.

Literature cited by the submitters: PubMed 17576681 (cited by Labcorp Genetics (formerly Invitae), Labcorp); PubMed 9536098 (cited by Labcorp Genetics (formerly Invitae), Labcorp); PubMed 30209399 (cited by Labcorp Genetics (formerly Invitae), Labcorp).

NM_007294.4(BRCA1):c.5277+6G>C

Gene: BRCA1 (BRCA1 DNA repair associated; minus strand). Cytogenetic location: 17q21.31.
Variant type: single nucleotide variant.
Coding change: c.5277+6G>C on transcript NM_007294.4 (MANE Select); 6 bases into the intron after coding-DNA position 5277, G replaced by C.
Molecular consequence: intron variant.
Genome position (GRCh38, 1-based): chr17:43,057,046, C>G on the plus strand (G>C on the coding strand, the complement: BRCA1 is on the minus strand). VCF-style: chr17-43057046-C-G. GRCh37 (hg19) VCF-style: chr17-41209063-C-G.
Other names: c.1824+6G>C (NM_001408458.1, NM_001408461.1, NM_001408464.1 and 7 more transcripts); c.4386+6G>C (NM_001407967.1); c.4896+6G>C (NM_001407959.1); c.5010+6G>C (NM_001407931.1, NM_001407932.1, NM_001407928.1 and 4 more transcripts); c.5133+6G>C (NM_001407747.1, NM_001407745.1, NM_001407737.1 and 21 more transcripts); c.4893+6G>C (NM_001407962.1, NM_001407960.1); c.1464+6G>C (NM_001408512.1); c.1587+6G>C (NM_001408510.1); and 72 more.
Identifiers: ClinVar variation 867313 (VCV000867313.13), dbSNP rs1057523590, ClinGen allele CA916081124.
Genomic context (GRCh38, chr17:43,057,046, plus strand): 5'-GCAAAGGGGAGTGGAATACAGAGTGGTGGGGTGAGATTTTTGTCAACTTGAGGGAGGGAG[C>G]TTTACCTTTCTGTCCTGGGATTCTCTTGCTCGCTTTGGACCTTGGTGGTTTCTTCCATTG-3'